The following is an entry in ClinVar:

NM_015409.5(EP400):c.7683G>A (p.Ala2561=)

Gene: EP400 (E1A binding protein p400; plus strand). Cytogenetic location: 12q24.33.
Variant type: single nucleotide variant.
Coding change: c.7683G>A on transcript NM_015409.5 (MANE Select); coding-DNA position 7683, G replaced by A.
Protein change: p.Ala2561=; no amino-acid change (alanine 2561 retained).
Molecular consequence: synonymous variant.
Genome position (GRCh38, 1-based): chr12:132,053,552, G>A. VCF-style: chr12-132053552-G-A. GRCh37 (hg19) VCF-style: chr12-132538097-G-A.
Identifiers: ClinVar variation 2643625 (VCV002643625.24), dbSNP rs199758676, ClinGen allele CA6886830.

ClinVar aggregate classification (germline): Likely benign (1 of 4 stars; one submission).

Allele frequency attached by ClinVar (database versions not stated): 1000 Genomes Project 0.00160; 1000 Genomes Project 30x 0.00172; ESP Exome Variant Server 0.00281; TOPMed 0.00290; gnomAD exomes 0.00517; gnomAD 0.00528; ExAC 0.01136.
gnomAD v4.1: 8,011 of 1,561,448 alleles (0.51%); highest among the groups gnomAD compares: Non-Finnish European, 0.54%; 30 homozygotes.

Submission:

CeGaT Center for Human Genetics Tuebingen
Classification: Likely benign. Last evaluated: 2022-12-01. Review status: criteria provided, single submitter. Criteria: CeGaT Center For Human Genetics Tuebingen Variant Classification Criteria Version 2. Collection method: clinical testing. Allele origin: germline. Affected: yes. Observed: 1 variant allele.
Comment: EP400: BP4, BP7